The following is an entry in ClinVar:

NM_016151.4(TAOK2):c.139G>A (p.Asp47Asn)

Gene: TAOK2 (TAO kinase 2; plus strand). Cytogenetic location: 16p11.2.
Variant type: single nucleotide variant.
Coding change: c.139G>A on transcript NM_016151.4 (MANE Select); coding-DNA position 139, G replaced by A.
Protein change: p.Asp47Asn; replaces aspartic acid 47 with asparagine.
Molecular consequence: missense variant.
Genome position (GRCh38, 1-based): chr16:29,978,095, G>A. VCF-style: chr16-29978095-G-A. GRCh37 (hg19) VCF-style: chr16-29989416-G-A.
Other names: c.139G>A, p.Asp47Asn (NM_001252043.2, NM_004783.4); short protein forms D47N.
Identifiers: ClinVar variation 2827808 (VCV002827808.3), dbSNP rs1306051542, ClinGen allele CA395469775.

ClinVar aggregate classification (germline): Uncertain significance (1 of 4 stars; one submission).

Allele frequency attached by ClinVar (database versions not stated): gnomAD exomes below 0.00001; TOPMed 0.00001.
gnomAD v4.1: 1 of 1,614,146 alleles (0.000062%); highest among the groups gnomAD compares: Non-Finnish European, 0.000085%; no homozygotes.

Submission:

Labcorp Genetics (formerly Invitae), Labcorp
Classification: Uncertain significance. Last evaluated: 2023-01-12. Review status: criteria provided, single submitter. Criteria: Invitae Variant Classification Sherloc (09022015). Collection method: clinical testing. Allele origin: germline.
Comment: In summary, the available evidence is currently insufficient to determine the role of this variant in disease. Therefore, it has been classified as a Variant of Uncertain Significance. Algorithms developed to predict the effect of missense changes on protein structure and function (SIFT, PolyPhen-2, Align-GVGD) all suggest that this variant is likely to be tolerated. This variant has not been reported in the literature in individuals affected with TAOK2-related conditions. This variant is not present in population databases (gnomAD no frequency). This sequence change replaces aspartic acid, which is acidic and polar, with asparagine, which is neutral and polar, at codon 47 of the TAOK2 protein (p.Asp47Asn).